The following is an entry in ClinVar:

ClinVar aggregate classification (germline): Uncertain significance (1 of 4 stars; one submission).

gnomAD v4.1: 2 of 1,613,938 alleles (0.00012%); highest among the groups gnomAD compares: Non-Finnish European, 0.00017%; no homozygotes.

Submission:

Labcorp Genetics (formerly Invitae), Labcorp
Classification: Uncertain significance. Last evaluated: 2021-01-08. Review status: criteria provided, single submitter. Criteria: Invitae Variant Classification Sherloc (09022015). Collection method: clinical testing. Allele origin: germline.
Comment: In summary, the available evidence is currently insufficient to determine the role of this variant in disease. Therefore, it has been classified as a Variant of Uncertain Significance. Experimental studies and prediction algorithms are not available or were not evaluated, and the functional significance of this variant is currently unknown. This variant has not been reported in the literature in individuals with HTT-related conditions. This variant is not present in population databases (ExAC no frequency). This sequence change replaces glutamic acid with glutamine at codon 2195 of the HTT protein (p.Glu2195Gln). The glutamic acid residue is weakly conserved and there is a small physicochemical difference between glutamic acid and glutamine.

NM_001388492.1(HTT):c.6577G>C (p.Glu2193Gln)

Gene: HTT (huntingtin; plus strand). Cytogenetic location: 4p16.3.
Variant type: single nucleotide variant.
Coding change: c.6577G>C on transcript NM_001388492.1 (MANE Select); coding-DNA position 6577, G replaced by C.
Protein change: p.Glu2193Gln; replaces glutamic acid 2193 with glutamine.
Molecular consequence: missense variant.
Genome position (GRCh38, 1-based): chr4:3,212,091, G>C. VCF-style: chr4-3212091-G-C. GRCh37 (hg19) VCF-style: chr4-3213818-G-C.
Other names: c.6583G>C, p.Glu2195Gln (NM_002111.8); short protein forms E2193Q, E2195Q.
Identifiers: ClinVar variation 1428728 (VCV001428728.6), dbSNP rs200008242, ClinGen allele CA356090446.
Genomic context (GRCh38, chr4:3,212,091, plus strand): 5'-CTGGCCCGTGTGAGCGGCACCGTGCAGCAGCTCCCTGCTGTCCATCATGTCTTCCAGCCC[G>C]AGCTGCCTGCAGAGCCGGCGGCCTACTGGAGCAAGTTGAATGATCTGTTTGGTAATTAAA-3'
Protein context (NP_001375421.1, residues 2183-2203): LPAVHHVFQP[Glu2193Gln]LPAEPAAYWS